The following is an entry in ClinVar:

NM_001256007.3(PNPLA8):c.1532C>G (p.Ser511Ter)

Gene: PNPLA8 (patatin like domain 8, phospholipase A2; minus strand). Cytogenetic location: 7q31.1.
Variant type: single nucleotide variant.
Coding change: c.1532C>G on transcript NM_001256007.3 (MANE Select); coding-DNA position 1532, C replaced by G.
Protein change: p.Ser511Ter; replaces serine 511 with a stop codon.
Molecular consequence: nonsense.
Genome position (GRCh38, 1-based): chr7:108,496,677, G>C on the plus strand (C>G on the coding strand, the complement: PNPLA8 is on the minus strand). VCF-style: chr7-108496677-G-C. GRCh37 (hg19) VCF-style: chr7-108137121-G-C.
Other names: c.1532C>G, p.Ser511Ter (NM_001256008.3, NM_001256009.3, NM_015723.5); c.1232C>G, p.Ser411Ter (NM_001256010.3, NM_001256011.3); short protein forms S411*, S511*.
Identifiers: ClinVar variation 4846897 (VCV004846897.1).

ClinVar aggregate classification (germline): Likely pathogenic (1 of 4 stars; one submission).

Conditions:
Mitochondrial myopathy-lactic acidosis-deafness syndrome. Identifiers: Orphanet 2597, MedGen C1855033, MONDO:0016825, OMIM 251950.

Submission:

Laboratorio de Genetica e Diagnostico Molecular, Hospital Israelita Albert Einstein
Classification: Likely pathogenic for Mitochondrial myopathy-lactic acidosis-deafness syndrome. Last evaluated: 2026-03-31. Review status: criteria provided, single submitter. Criteria: ACMG Guidelines, 2015. Collection method: clinical testing. Allele origin: germline. Affected: yes.
Comment: ACMG classification criteria: PVS1 very strong, PM2 supporting